The following is an entry in ClinVar:

NM_007192.4(SUPT16H):c.2468C>T (p.Ala823Val)

Gene: SUPT16H (SPT16 homolog, facilitates chromatin remodeling subunit; minus strand). Cytogenetic location: 14q11.2.
Variant type: single nucleotide variant.
Coding change: c.2468C>T on transcript NM_007192.4 (MANE Select); coding-DNA position 2468, C replaced by T.
Protein change: p.Ala823Val; replaces alanine 823 with valine.
Molecular consequence: missense variant.
Genome position (GRCh38, 1-based): chr14:21,357,949, G>A on the plus strand (C>T on the coding strand, the complement: SUPT16H is on the minus strand). VCF-style: chr14-21357949-G-A. GRCh37 (hg19) VCF-style: chr14-21826108-G-A.
Other names: short protein forms A823V.
Identifiers: ClinVar variation 4839296 (VCV004839296.1).
Genomic context (GRCh38, chr14:21,357,949, plus strand): 5'-AACAATTTTCTTACTAAAAGAAAGTAAGAAACACTCACCCATTCCGTAGCATTTACCAGC[G>A]CACTACTAGTGGGCTGAAGGAGGCAGGTACTCCTATAGGGAGCTCCGTTAAATCTGGAAG-3'
Protein context (NP_009123.1, residues 813-833): STCLLQPTSS[Ala823Val]LVNATEWPPF

ClinVar aggregate classification (germline): Uncertain significance (1 of 4 stars; one submission).

Conditions:
Inborn genetic diseases. Identifiers: MedGen C0950123, MeSH D030342.

Submission:

Ambry Genetics
Classification: Uncertain significance for Inborn genetic diseases. Last evaluated: 2026-01-14. Review status: criteria provided, single submitter. Criteria: Ambry Variant Classification Scheme 2023. Collection method: clinical testing. Allele origin: germline.
Comment: The c.2468C>T (p.A823V) alteration is located in exon 21 (coding exon 21) of the SUPT16H gene. This alteration results from a C to T substitution at nucleotide position 2468, causing the alanine (A) at amino acid position 823 to be replaced by a valine (V). Based on data from gnomAD, the T allele has an overall frequency of <0.001% (1/251414) total alleles studied. The highest observed frequency was 0.001% (1/113714) of European (non-Finnish) alleles. Based on insufficient or conflicting evidence, the clinical significance of this alteration remains unclear.